The following is an entry in ClinVar:

ClinVar aggregate classification (germline): Pathogenic/Likely pathogenic. Review status: criteria provided, multiple submitters, no conflicts (2 of 4 stars). 2 submissions from 2 submitters: Pathogenic (1); Likely pathogenic (1). Last evaluated 2024-06-07.

Conditions:
Mucopolysaccharidosis, MPS-II (MPS2). Also called: Mucopolysaccharidosis type 2; IDS deficiency; Sulfoiduronate sulfatase deficiency; SIDS deficiency; Mucopolysaccharidosis with skin involvement; Attenuated MPS (subtype; formerly known as mild MPS II). Identifiers: Orphanet 580, Orphanet 79388, MedGen C0026705, MONDO:0010674, OMIM 309900.
IDS-related disorder. Also called: IDS-related condition.

Submissions (2):

Laboratory of Diagnosis and Therapy of Lysosomal Disorders, University of Padova
Classification: Pathogenic for Mucopolysaccharidosis, MPS-II. Last evaluated: 2024-06-07. Review status: criteria provided, single submitter. Criteria: ACMG Guidelines, 2015. Collection method: literature only. Allele origin: germline. Affected: yes. Observed: 1 variant allele.
Comment: Located in a mutational hot spot and/or critical functional domain (PM1_Moderate), Absent from controls (or at low frequency) in gnomAD database (PM2_Moderate), Missense variant in a gene with a low rate of benign missense variation (PP2_Supporting), Multiple lines of computational evidence support a deleterious effect (PP3_Supporting), Patient’s phenotype or family history highly specific for the disease (PP4_Strong)

Classification method: ACMG Guidelines [PMID:25741868] with modifications

Blueprint Genetics
Classification: Likely pathogenic for IDS-related disorders. Last evaluated: 2024-01-04. Review status: criteria provided, single submitter. Criteria: ACMG Guidelines, 2015. Collection method: clinical testing. Allele origin: germline. Affected: yes. Observed: 2 variant alleles.

Literature cited by the submitters: PubMed 22976768 (cited by Laboratory of Diagnosis and Therapy of Lysosomal Disorders, University of Padova).

NM_000202.8(IDS):c.687C>A (p.His229Gln)

Genes: IDS (iduronate 2-sulfatase; minus strand), LOC106050102 (IDS recombination region; plus strand). Cytogenetic location: Xq28.
Variant type: single nucleotide variant.
Coding change: c.687C>A on transcript NM_000202.8 (MANE Select); coding-DNA position 687, C replaced by A.
Protein change: p.His229Gln; replaces histidine 229 with glutamine.
Molecular consequence: missense variant. On other transcripts: non-coding transcript variant (1).
Genome position (GRCh38, 1-based): chrX:149,498,128, G>T on the plus strand (C>A on the coding strand, the complement: IDS is on the minus strand). VCF-style: chrX-149498128-G-T. GRCh37 (hg19) VCF-style: chrX-148579659-G-T.
Other names: c.417C>A, p.His139Gln (NM_001166550.4); c.687C>A, p.His229Gln (NM_006123.5); short protein forms H139Q, H229Q.
Identifiers: ClinVar variation 3255806 (VCV003255806.3).